The following is an entry in ClinVar:

NM_002439.5(MSH3):c.2632G>T (p.Val878Phe)

Gene: MSH3 (mutS homolog 3; plus strand). Cytogenetic location: 5q14.1.
Variant type: single nucleotide variant.
Coding change: c.2632G>T on transcript NM_002439.5 (MANE Select); coding-DNA position 2632, G replaced by T.
Protein change: p.Val878Phe; replaces valine 878 with phenylalanine.
Molecular consequence: missense variant.
Genome position (GRCh38, 1-based): chr5:80,792,821, G>T. VCF-style: chr5-80792821-G-T. GRCh37 (hg19) VCF-style: chr5-80088640-G-T.
Other names: short protein forms V878F.
Identifiers: ClinVar variation 2682014 (VCV002682014.1), dbSNP rs2546786824, ClinGen allele CA360273021.

ClinVar aggregate classification (germline): Uncertain significance (1 of 4 stars; one submission).

Submission:

Quest Diagnostics Nichols Institute San Juan Capistrano
Classification: Uncertain significance. Last evaluated: 2023-02-09. Review status: criteria provided, single submitter. Criteria: Quest Diagnostics criteria. Collection method: clinical testing. Allele origin: unknown.
Comment: This variant has not been reported in the published literature. It also has not been reported in large, multi-ethnic general populations. Analysis of this variant using bioinformatics tools for the prediction of the effect of amino acid changes on protein structure and function yielded predictions that this variant is damaging. Based on the available information, we are unable to determine the clinical significance of this variant.